The following is an entry in ClinVar:

NM_006231.4(POLE):c.611A>G (p.Glu204Gly)

Gene: POLE (DNA polymerase epsilon, catalytic subunit; minus strand). Cytogenetic location: 12q24.33.
Variant type: single nucleotide variant.
Coding change: c.611A>G on transcript NM_006231.4 (MANE Select); coding-DNA position 611, A replaced by G.
Protein change: p.Glu204Gly; replaces glutamic acid 204 with glycine.
Molecular consequence: missense variant.
Genome position (GRCh38, 1-based): chr12:132,677,687, T>C on the plus strand (A>G on the coding strand, the complement: POLE is on the minus strand). VCF-style: chr12-132677687-T-C. GRCh37 (hg19) VCF-style: chr12-133254273-T-C.
Other names: short protein forms E204G.
Identifiers: ClinVar variation 2837867 (VCV002837867.3), dbSNP rs2136021245, ClinGen allele CA387365371.
Genomic context (GRCh38, chr12:132,677,687, plus strand): 5'-TACTCGCGCATGTCCACAATGTTGTCCAACTGGTCAGCTATCTTCTTAGAGGTTTCCTCT[T>C]CATCAGTAATGACACCGCCCCTCTGCAGAACACTAGGAATTAACAAGAGAGCAACTAACT-3'
Protein context (NP_006222.2, residues 194-214): VLQRGGVITD[Glu204Gly]EETSKKIADQ

ClinVar aggregate classification (germline): Uncertain significance (1 of 4 stars; one submission).

Submission:

Labcorp Genetics (formerly Invitae), Labcorp
Classification: Uncertain significance. Last evaluated: 2023-02-16. Review status: criteria provided, single submitter. Criteria: Invitae Variant Classification Sherloc (09022015). Collection method: clinical testing. Allele origin: germline.
Comment: In summary, the available evidence is currently insufficient to determine the role of this variant in disease. Therefore, it has been classified as a Variant of Uncertain Significance. Advanced modeling of protein sequence and biophysical properties (such as structural, functional, and spatial information, amino acid conservation, physicochemical variation, residue mobility, and thermodynamic stability) performed at Invitae indicates that this missense variant is not expected to disrupt POLE protein function. This variant has not been reported in the literature in individuals affected with POLE-related conditions. This variant is not present in population databases (gnomAD no frequency). This sequence change replaces glutamic acid, which is acidic and polar, with glycine, which is neutral and non-polar, at codon 204 of the POLE protein (p.Glu204Gly).